The following is an entry in ClinVar:

NM_182931.3(KMT2E):c.1859A>G (p.Gln620Arg)

Gene: KMT2E (lysine methyltransferase 2E (inactive); plus strand). Cytogenetic location: 7q22.3.
Variant type: single nucleotide variant.
Coding change: c.1859A>G on transcript NM_182931.3 (MANE Select); coding-DNA position 1859, A replaced by G.
Protein change: p.Gln620Arg; replaces glutamine 620 with arginine.
Molecular consequence: missense variant.
Genome position (GRCh38, 1-based): chr7:105,101,561, A>G. VCF-style: chr7-105101561-A-G. GRCh37 (hg19) VCF-style: chr7-104742008-A-G.
Other names: c.1859A>G, p.Gln620Arg (NM_001410908.1, NM_018682.4); short protein forms Q620R.
Identifiers: ClinVar variation 2662264 (VCV002662264.1), dbSNP rs2536491113, ClinGen allele CA368784453.

ClinVar aggregate classification (germline): Uncertain significance (1 of 4 stars; one submission).

Submission:

GeneDx
Classification: Uncertain significance. Last evaluated: 2023-05-10. Review status: criteria provided, single submitter. Criteria: GeneDx Variant Classification Process June 2021. Collection method: clinical testing. Allele origin: germline. Affected: yes.
Comment: Not observed at significant frequency in large population cohorts (gnomAD); In silico analysis supports that this missense variant does not alter protein structure/function; Has not been previously published as pathogenic or benign to our knowledge